The following is an entry in ClinVar:

ClinVar aggregate classification (germline): Likely benign (0 of 4 stars; one submission).

Conditions:
FREM1-related disorder. Also called: FREM1-related condition; FREM1-Related Disorders.

gnomAD v4.1: 8 of 1,613,868 alleles (0.0005%); highest among the groups gnomAD compares: Non-Finnish European, 0.00059%; no homozygotes.

Submission:

PreventionGenetics, part of Exact Sciences
Classification: Likely benign for FREM1-related condition. Last evaluated: 2022-12-08. Review status: no assertion criteria provided. Collection method: clinical testing. Allele origin: germline.
Comment: This variant is classified as likely benign based on ACMG/AMP sequence variant interpretation guidelines (Richards et al. 2015 PMID: 25741868, with internal and published modifications).

NM_001379081.2(FREM1):c.4326C>A (p.Ile1442=)

Gene: FREM1 (FRAS1 related extracellular matrix 1; minus strand). Cytogenetic location: 9p22.3.
Variant type: single nucleotide variant.
Coding change: c.4326C>A on transcript NM_001379081.2 (MANE Select); coding-DNA position 4326, C replaced by A.
Protein change: p.Ile1442=; no amino-acid change (isoleucine 1442 retained).
Molecular consequence: synonymous variant. On other transcripts: non-coding transcript variant (1).
Genome position (GRCh38, 1-based): chr9:14,784,486, G>T on the plus strand (C>A on the coding strand, the complement: FREM1 is on the minus strand). VCF-style: chr9-14784486-G-T. GRCh37 (hg19) VCF-style: chr9-14784484-G-T.
Other names: c.4326C>A, p.Ile1442= (NM_144966.7).
Identifiers: ClinVar variation 3054484 (VCV003054484.2), dbSNP rs201779885, ClinGen allele CA463877113.